The following is an entry in ClinVar:

ClinVar aggregate classification (germline): Uncertain significance (1 of 4 stars; one submission).

Conditions:
Combined malonic and methylmalonic acidemia. Identifiers: Orphanet 289504, MedGen C3280314, MONDO:0013661, OMIM 614265.

Allele frequency attached by ClinVar (database versions not stated): TOPMed 0.00001; gnomAD 0.00003; gnomAD exomes 0.00003; ExAC 0.00005; 1000 Genomes Project 30x 0.00047; 1000 Genomes Project 0.00060.
gnomAD v4.1: 47 of 1,613,694 alleles (0.0029%); highest among the groups gnomAD compares: South Asian, 0.037%; no homozygotes.

Submission:

Labcorp Genetics (formerly Invitae), Labcorp
Classification: Uncertain significance for Combined malonic and methylmalonic acidemia. Last evaluated: 2022-06-07. Review status: criteria provided, single submitter. Criteria: Invitae Variant Classification Sherloc (09022015). Collection method: clinical testing. Allele origin: germline.
Comment: This sequence change replaces alanine, which is neutral and non-polar, with threonine, which is neutral and polar, at codon 253 of the ACSF3 protein (p.Ala253Thr). This variant is present in population databases (rs534495046, gnomAD 0.04%). This variant has not been reported in the literature in individuals affected with ACSF3-related conditions. Advanced modeling of protein sequence and biophysical properties (such as structural, functional, and spatial information, amino acid conservation, physicochemical variation, residue mobility, and thermodynamic stability) performed at Invitae indicates that this missense variant is expected to disrupt ACSF3 protein function. In summary, the available evidence is currently insufficient to determine the role of this variant in disease. Therefore, it has been classified as a Variant of Uncertain Significance.

NM_001243279.3(ACSF3):c.757G>A (p.Ala253Thr)

Gene: ACSF3 (acyl-CoA synthetase family member 3; plus strand). Cytogenetic location: 16q24.3.
Variant type: single nucleotide variant.
Coding change: c.757G>A on transcript NM_001243279.3 (MANE Select); coding-DNA position 757, G replaced by A.
Protein change: p.Ala253Thr; replaces alanine 253 with threonine.
Molecular consequence: missense variant. On other transcripts: 5 prime UTR variant (1), non-coding transcript variant (3).
Genome position (GRCh38, 1-based): chr16:89,102,694, G>A. VCF-style: chr16-89102694-G-A. GRCh37 (hg19) VCF-style: chr16-89169102-G-A.
Other names: c.757G>A, p.Ala253Thr (NM_001127214.4, NM_174917.5); c.-39G>A (NM_001284316.2); short protein forms A253T.
Identifiers: ClinVar variation 2155548 (VCV002155548.1), dbSNP rs534495046, ClinGen allele CA8237783.